The following is an entry in ClinVar:

ClinVar aggregate classification (germline): Likely benign (1 of 4 stars; one submission).

Allele frequency attached by ClinVar (database versions not stated): gnomAD exomes below 0.00001 and 0.00001; ExAC 0.00001.
gnomAD v4.1: 7 of 1,607,078 alleles (0.00044%); highest among the groups gnomAD compares: Non-Finnish European, 0.0006%; no homozygotes.

Submission:

Laboratory for Molecular Medicine, Mass General Brigham Personalized Medicine
Classification: Likely benign. Last evaluated: 2016-10-18. Review status: criteria provided, single submitter. Criteria: LMM Criteria. Collection method: clinical testing. Allele origin: germline. Observed: 1 variant allele.
Comment: c.967-13T>C in intron 9 of EYA1: This variant is not expected to have clinical s ignificance because a T>C change at this position does not diverge from the spli ce consensus sequence and is therefore unlikely to impact splicing. It has been identified in 1/66692 European chromosomes by the Exome Aggregation Consortium ( ExAC; dbSNP rs749461885).

NM_000503.6(EYA1):c.967-13T>C

Gene: EYA1 (EYA transcriptional coactivator and phosphatase 1; minus strand). Cytogenetic location: 8q13.3.
Variant type: single nucleotide variant.
Coding change: c.967-13T>C on transcript NM_000503.6 (MANE Select); 13 bases into the intron before coding-DNA position 967, T replaced by C.
Molecular consequence: intron variant.
Genome position (GRCh38, 1-based): chr8:71,269,836, A>G on the plus strand (T>C on the coding strand, the complement: EYA1 is on the minus strand). VCF-style: chr8-71269836-A-G. GRCh37 (hg19) VCF-style: chr8-72182071-A-G.
Other names: c.1036-13T>C (NM_001370336.1); c.1054-13T>C (NM_001370333.1); c.967-13T>C (NM_001370335.1, NM_001370334.1, NM_172058.4); c.1039-13T>C (NM_172059.5); c.601-13T>C (NM_001288575.2); c.949-13T>C (NM_001288574.2).
Identifiers: ClinVar variation 505340 (VCV000505340.4), dbSNP rs749461885, ClinGen allele CA4779599.